The following is an entry in ClinVar:

ClinVar aggregate classification (germline): Pathogenic (1 of 4 stars; one submission).

Conditions:
Cystinosis. Also called: Cystine diathesis; Cystine storage disease; Cystinoses. Identifiers: Orphanet 213, MedGen C4316899, MONDO:0016239.

Submission:

Myriad Genetics, Inc.
Classification: Pathogenic for Cystinosis. Last evaluated: 2025-03-28. Review status: criteria provided, single submitter. Criteria: Myriad Autosomal Dominant, Autosomal Recessive and X-Linked Classification Criteria (2023). Collection method: clinical testing. Allele origin: unknown.
Comment: NM_004937.2(CTNS):c.970+2T>C is a variant in a canonical splice site classified as pathogenic in the context of cystinosis. c.970+2T>C has been observed in cases with relevant disease (PMID: 10444339). Relevant functional assessments of this variant are available in the literature (PMID: 10444339, 11855931). c.970+2T>C has not been observed in referenced population frequency databases. In summary, NM_004937.2(CTNS):c.970+2T>C is a variant in a canonical splice site in a gene where loss of function is a known mechanism of disease, is predicted to disrupt protein function, and has been observed more frequently in cases with the relevant disease than in healthy populations. Please note: this variant was assessed in the context of healthy population screening.

Literature cited by the submitters: PubMed 10444339; PubMed 11855931.

NM_004937.3(CTNS):c.970+2T>C

Gene: CTNS (cystinosin, lysosomal cystine transporter; plus strand). Cytogenetic location: 17p13.2.
Variant type: single nucleotide variant.
Coding change: c.970+2T>C on transcript NM_004937.3 (MANE Select); the canonical splice donor site of the intron after coding-DNA position 970, T replaced by C.
Molecular consequence: splice donor variant.
Genome position (GRCh38, 1-based): chr17:3,659,977, T>C. VCF-style: chr17-3659977-T-C. GRCh37 (hg19) VCF-style: chr17-3563271-T-C.
Other names: c.970+2T>C (NM_001031681.3, NM_001374492.1); c.529+2T>C (NM_001374493.1, NM_001374495.1, NM_001374494.1 and 1 more transcripts).
Identifiers: ClinVar variation 4081620 (VCV004081620.1).